The following is an entry in ClinVar:

NM_002691.4(POLD1):c.2591C>T (p.Ala864Val)

Gene: POLD1 (DNA polymerase delta 1, catalytic subunit; plus strand). Cytogenetic location: 19q13.33.
Variant type: single nucleotide variant.
Coding change: c.2591C>T on transcript NM_002691.4 (MANE Select); coding-DNA position 2591, C replaced by T.
Protein change: p.Ala864Val; replaces alanine 864 with valine.
Molecular consequence: missense variant. On other transcripts: non-coding transcript variant (1).
Genome position (GRCh38, 1-based): chr19:50,415,464, C>T. VCF-style: chr19-50415464-C-T. GRCh37 (hg19) VCF-style: chr19-50918721-C-T.
Other names: c.2591C>T, p.Ala864Val (NM_001256849.1); c.2669C>T, p.Ala890Val (NM_001308632.1); c.2591C>T (NM_002691.2); short protein forms A890V, A864V.
Identifiers: ClinVar variation 2728314 (VCV002728314.4), dbSNP rs2514053407, ClinGen allele CA406985354.

ClinVar aggregate classification (germline): Uncertain significance. Review status: criteria provided, multiple submitters, no conflicts (2 of 4 stars). 2 submissions from 2 submitters: Uncertain significance (2). Last evaluated 2025-01-28.

Conditions:
Hereditary cancer-predisposing syndrome. Also called: Tumor predisposition; Hereditary Cancer Syndrome; Hereditary neoplastic syndrome; Neoplastic Syndromes, Hereditary. Identifiers: Orphanet 140162, MedGen C0027672, MeSH D009386, MONDO:0015356.
POLD1-related polyposis and colorectal cancer syndrome (CRCS10). Also called: Colorectal cancer 10; Colorectal cancer, susceptibility to, 10; COLORECTAL CANCER, SUSCEPTIBILITY TO, ON CHROMOSOME 19q. Identifiers: Orphanet 220460, MedGen C2675481, MONDO:0012953, OMIM 612591.

Submissions (2):

Ambry Genetics
Classification: Uncertain significance for Hereditary cancer-predisposing syndrome. Last evaluated: 2025-01-28. Review status: criteria provided, single submitter. Criteria: Ambry Variant Classification Scheme 2023. Collection method: clinical testing. Allele origin: germline.
Comment: The p.A864V variant (also known as c.2591C>T), located in coding exon 20 of the POLD1 gene, results from a C to T substitution at nucleotide position 2591. The alanine at codon 864 is replaced by valine, an amino acid with similar properties. This amino acid position is conserved. In addition, this alteration is predicted to be tolerated by in silico analysis. Based on the available evidence, the clinical significance of this variant remains unclear.

Labcorp Genetics (formerly Invitae), Labcorp
Classification: Uncertain significance for POLD1-related polyposis and colorectal cancer syndrome. Last evaluated: 2023-10-16. Review status: criteria provided, single submitter. Criteria: Invitae Variant Classification Sherloc (09022015). Collection method: clinical testing. Allele origin: germline.
Comment: This sequence change replaces alanine, which is neutral and non-polar, with valine, which is neutral and non-polar, at codon 864 of the POLD1 protein (p.Ala864Val). This variant is not present in population databases (gnomAD no frequency). This variant has not been reported in the literature in individuals affected with POLD1-related conditions. Advanced modeling of protein sequence and biophysical properties (such as structural, functional, and spatial information, amino acid conservation, physicochemical variation, residue mobility, and thermodynamic stability) performed at Invitae indicates that this missense variant is not expected to disrupt POLD1 protein function. In summary, the available evidence is currently insufficient to determine the role of this variant in disease. Therefore, it has been classified as a Variant of Uncertain Significance.